The following is an entry in ClinVar:

NM_000038.6(APC):c.423-8A>G

Gene: APC (APC regulator of Wnt signaling pathway; plus strand). Cytogenetic location: 5q22.2.
Variant type: single nucleotide variant.
Coding change: c.423-8A>G on transcript NM_000038.6 (MANE Select); 8 bases into the intron before coding-DNA position 423, A replaced by G.
Molecular consequence: intron variant.
Genome position (GRCh38, 1-based): chr5:112,775,621, A>G. VCF-style: chr5-112775621-A-G. GRCh37 (hg19) VCF-style: chr5-112111318-A-G.
Other names: c.423-8A>G (NM_001354895.2, NM_001127510.3, NM_001354896.2 and 3 more transcripts); c.453-8A>G (NM_001354897.2, NM_001354902.2, NM_001127511.3); c.348-8A>G (NM_001354898.2, NM_001354904.2); c.-613-8A>G (NM_001354906.2); c.246-8A>G (NM_001354900.2, NM_001354901.2, NM_001354905.2).
Identifiers: ClinVar variation 1050028 (VCV001050028.8), dbSNP rs2149614206, ClinGen allele CA2499217419.
Genomic context (GRCh38, chr5:112,775,621, plus strand): 5'-AGTATTGCTCTTCTGCAGTCTTTATTAGCATTGTTTAAACGTACCTTTTTTTAAAAAAAA[A>G]AAAATAGGTCATTGCTTCTTGCTGATCTTGACAAAGAAGAAAAGGAAAAAGACTGGTATT-3'

ClinVar aggregate classification (germline): Likely pathogenic. Review status: reviewed by expert panel (3 of 4 stars). 5 submissions from 5 submitters: Likely pathogenic (1). 4 of the submissions do not count toward it. Last evaluated 2025-05-14.

Conditions:
Familial adenomatous polyposis 1 (FAP1). Also called: FAMILIAL ADENOMATOUS POLYPOSIS 1, ATTENUATED; POLYPOSIS, ADENOMATOUS INTESTINAL. Identifiers: MedGen C2713442, MONDO:0021056, OMIM 175100. Disease mechanism: loss of function.
Hereditary cancer-predisposing syndrome. Also called: Hereditary Cancer Syndrome; Hereditary neoplastic syndrome; Tumor predisposition; Neoplastic Syndromes, Hereditary. Identifiers: Orphanet 140162, MedGen C0027672, MeSH D009386, MONDO:0015356.
Carcinoma of colon (CRC). Also called: Colonic carcinoma; Colon carcinoma. Identifiers: MedGen C0699790, MONDO:0002032.

Submissions (5):

ClinGen InSiGHT Hereditary Colorectal Cancer/Polyposis Variant Curation Expert Panel
Classification: Likely pathogenic for Familial adenomatous polyposis 1. Last evaluated: 2025-05-14. Review status: reviewed by expert panel. Criteria: ClinGen InSiGHT HCCP VCEP ACMG Specifications APC V1. Collection method: curation. Allele origin: germline. Inheritance: Autosomal dominant inheritance.
Comment: The NM_000038.6:c.423-8A>G variant in APC is an intronic variant which is located in intron 4. This variant has been reported in 3 probands meeting phenotypic criteria, resulting in a total phenotype score of 2.5 (PS4_Moderate, internal data Ambry genetics, Myriad genetics; PMID: 32067438). The variant has been reported in 2 additional probands with a colorectal cancer/polyposis associated phenotype not meeting phenotypic criteria (internal data Ambry and Labcorp Genetics (formerly Invitae)). This variant is absent from gnomAD v2.1.1 (PM2_Supporting). The results from ≥ 2 in silico splicing predictors (SpliceAI and MaxEntScan) indicate that this variant may affect splicing by disrupting the acceptor splice site of intron 4 and creating a cryptic acceptor splice site (PP3). RNA analysis demonstrated that the variant impacts splicing by insertion of the last 7 bp of intron 4 resulting in a premature stop codon, but the presence of < 10% of full-length transcript could not be demonstrated (PS3_Moderate, PMID: 32067438, Ambry Genetics internal data). In summary, this variant meets the criteria to be classified as Likely Pathogenic for autosomal-dominant inherited FAP based on the ACMG/AMP criteria applied, as specified by the ClinGen InSiGHT Hereditary Colorectal Cancer/Polyposis VCEP: criteria PM2_Supporting; PS4_Moderate; PP3; PS3_Moderate applied (VCEP specifications version v2.1.0; date of approval 11/24/2023).

Ambry Genetics
Classification: Pathogenic for Hereditary cancer-predisposing syndrome. Last evaluated: 2024-04-03. Review status: criteria provided, single submitter. Criteria: Ambry Variant Classification Scheme 2023. Collection method: clinical testing. Allele origin: germline. Not counted in ClinVar's aggregate classification.
Comment: The c.423-8A>G pathogenic mutation results from an A to G substitution 8 nucleotides upstream from coding exon 4 in the APC gene. This alteration has been observed in multiple individuals with a personal and/or family history that is consistent with APC-related disease (Ambry internal data; Kim A et al. Ann Lab Med, 2020 Jul;40:345-347). RNA studies have demonstrated that this alteration results in abnormal splicing in the set of samples tested (Ambry internal data; Kim A et al. Ann Lab Med, 2020 Jul;40:345-347). This nucleotide position is well conserved in available vertebrate species. In silico splice site analysis predicts that this alteration will weaken the native splice acceptor site and will result in the creation or strengthening of a novel splice acceptor site. This variant is considered to be rare based on population cohorts in the Genome Aggregation Database (gnomAD). Based on the supporting evidence, this alteration is interpreted as a disease-causing mutation.

Labcorp Genetics (formerly Invitae), Labcorp
Classification: Uncertain significance for Familial adenomatous polyposis 1. Last evaluated: 2023-07-10. Review status: criteria provided, single submitter. Criteria: Invitae Variant Classification Sherloc (09022015). Collection method: clinical testing. Allele origin: germline. Not counted in ClinVar's aggregate classification.
Comment: This sequence change falls in intron 4 of the APC gene. It does not directly change the encoded amino acid sequence of the APC protein. RNA analysis indicates that this variant induces altered splicing and may result in an absent or disrupted protein product. This variant is not present in population databases (gnomAD no frequency). This variant has been observed in individual(s) with familial adenomatous polyposis (PMID: 32067438). ClinVar contains an entry for this variant (Variation ID: 1050028). Studies have shown that this variant results in activation of a cryptic splice site and introduces a premature termination codon (PMID: 32067438). The resulting mRNA is expected to undergo nonsense-mediated decay. In summary, the available evidence is currently insufficient to determine the role of this variant in disease. Therefore, it has been classified as a Variant of Uncertain Significance.

Myriad Genetics, Inc.
Classification: Likely pathogenic for Familial adenomatous polyposis 1. Last evaluated: 2023-04-26. Review status: criteria provided, single submitter. Criteria: Myriad Autosomal Dominant, Autosomal Recessive and X-Linked Classification Criteria (2023). Collection method: clinical testing. Allele origin: unknown. Not counted in ClinVar's aggregate classification.
Comment: This variant is considered likely pathogenic. mRNA analysis has demonstrated abnormal mRNA splicing occurs [PMID: 32067438, Myriad internal data].

Department of Pathology and Laboratory Medicine, Sinai Health System
Classification: Uncertain significance for Carcinoma of colon. Review status: no assertion criteria provided. Collection method: clinical testing. Allele origin: unknown. Affected: yes. Study: The Canadian Open Genetics Repository (COGR). Not counted in ClinVar's aggregate classification.
Comment: The APC c.423-8A>G variant was not identified in the literature nor was it identified in the dbSNP, ClinVar, LOVD 3.0 or the UMD-LSDB database. It was not identified in the Exome Aggregation Consortium (August 8th 2016), or the Genome Aggregation Database (Feb 27, 2017). The variant occurs outside of the splicing consensus sequence, and 1 of 4 in silico or computational prediction software programs (SpliceSiteFinder, MaxEntScan, NNSPLICE, GeneSplicer) predicted a greater than 10% difference in splicing. In summary, based on the above information the clinical significance of this variant cannot be determined with certainty at this time. This variant is classified as a variant of uncertain significance.

Literature cited by the submitters: PubMed 32067438 (cited by 3 submitters).